The following is an entry in ClinVar:

ClinVar aggregate classification (germline): Uncertain significance. Review status: criteria provided, multiple submitters, no conflicts (2 of 4 stars). 6 submissions from 6 submitters: Uncertain significance (6). Last evaluated 2025-12-22.

Conditions:
Ehlers-Danlos syndrome (EDS). Identifiers: Orphanet 98249, MedGen C0013720, MONDO:0020066.
Ehlers-Danlos syndrome, type 4 (EDSVASC). Also called: Ehlers-Danlos syndrome vascular type; Ehlers Danlos syndrome, ecchymotic type; Ehlers Danlos syndrome, arterial type; Ehlers Danlos syndrome, Sack-Barabas type; Ehlers-Danlos Syndrome Type IV. Identifiers: Orphanet 286, MedGen C0268338, MONDO:0017314, OMIM 130050.
Familial thoracic aortic aneurysm and aortic dissection (TAAD). Also called: Thoracic aortic aneurysms and dissections. Identifiers: Orphanet 91387, MedGen C4707243, MONDO:0019625.

Allele frequency attached by ClinVar (database versions not stated): gnomAD 0.00001; gnomAD exomes 0.00001; ExAC 0.00002.
gnomAD v4.1: 16 of 1,600,294 alleles (0.001%); highest among the groups gnomAD compares: Admixed American, 0.0017%; no homozygotes.

Submissions (6):

Labcorp Genetics (formerly Invitae), Labcorp
Classification: Uncertain significance for Ehlers-Danlos syndrome, type 4. Last evaluated: 2025-12-22. Review status: criteria provided, single submitter. Criteria: Invitae Variant Classification Sherloc (09022015). Collection method: clinical testing. Allele origin: germline.
Comment: This sequence change replaces serine, which is neutral and polar, with proline, which is neutral and non-polar, at codon 196 of the COL3A1 protein (p.Ser196Pro). This variant is present in population databases (rs751350498, gnomAD 0.002%). This variant has not been reported in the literature in individuals affected with COL3A1-related conditions. ClinVar contains an entry for this variant (Variation ID: 199712). Invitae Evidence Modeling of protein sequence and biophysical properties (such as structural, functional, and spatial information, amino acid conservation, physicochemical variation, residue mobility, and thermodynamic stability) indicates that this missense variant is not expected to disrupt COL3A1 protein function with a negative predictive value of 95%. In summary, the available evidence is currently insufficient to determine the role of this variant in disease. Therefore, it has been classified as a Variant of Uncertain Significance.

All of Us Research Program, National Institutes of Health
Classification: Uncertain significance for Ehlers-Danlos syndrome, type 4. Last evaluated: 2024-07-29. Review status: criteria provided, single submitter. Criteria: ACMG Guidelines, 2015. Collection method: clinical testing. Allele origin: germline. Inheritance: Autosomal dominant inheritance. Observed: 3 variant alleles, 3 heterozygotes.
Comment: This missense variant replaces serine with proline at codon 196 of the COL3A1 protein. Computational prediction suggests that this variant may not impact protein structure and function (internally defined REVEL score threshold <= 0.5, PMID: 27666373). Splice site prediction tools suggest that this variant may not impact RNA splicing. To our knowledge, functional studies have not been reported for this variant. This variant has not been reported in individuals affected with cardiovascular disorders in the literature. This variant has been identified in 2/249386 chromosomes in the general population by the Genome Aggregation Database (gnomAD). The available evidence is insufficient to determine the role of this variant in disease conclusively. Therefore, this variant is classified as a Variant of Uncertain Significance.

This study involves interpretation of variants in research participants for the purpose of population health screening. Participant phenotype was not available at the time of variant classification. Additional details can be found in publication PMID: 35346344, PMCID: PMC8962531

Color Diagnostics, LLC DBA Color Health
Classification: Uncertain significance for Familial thoracic aortic aneurysm and aortic dissection. Last evaluated: 2024-03-06. Review status: criteria provided, single submitter. Criteria: ACMG Guidelines, 2015. Collection method: clinical testing. Allele origin: germline.
Comment: This missense variant replaces serine with proline at codon 196 of the COL3A1 protein. Computational prediction suggests that this variant may not impact protein structure and function (internally defined REVEL score threshold <= 0.5, PMID: 27666373). To our knowledge, functional studies have not been reported for this variant. This variant has not been reported in individuals affected with cardiovascular disorders in the literature. This variant has been identified in 2/249386 chromosomes in the general population by the Genome Aggregation Database (gnomAD). The available evidence is insufficient to determine the role of this variant in disease conclusively. Therefore, this variant is classified as a Variant of Uncertain Significance.

Victorian Clinical Genetics Services, Murdoch Childrens Research Institute
Classification: Uncertain significance for Ehlers-Danlos syndrome, type 4. Last evaluated: 2022-09-02. Review status: criteria provided, single submitter. Criteria: ACMG Guidelines, 2015. Collection method: clinical testing. Allele origin: germline. Inheritance: Autosomal dominant inheritance. Affected: yes.
Comment: Based on the classification scheme VCGS_Germline_v1.3.4, this variant is classified as VUS-3C. Following criteria are met: 0103 - Dominant negative and loss of function are known mechanisms of disease in this gene. Dominant-negative is due to missense variants affecting glycine residues in the Gly-X-Y repeat within the triple helical region (PMID: 29346445), while loss-of-function is due to null alleles. (I) 0108 - This gene is associated with both recessive and dominant disease. There is currently no genotype-phenotype correlation between autosomal dominant Ehlers-Danlos syndrome (EDS), vascular type (MIM#130050) and autosomal recessive polymicrogyria with or without vascular-type EDS (MIM#618343). (I) 0115 - Variants in this gene are known to have variable expressivity. Significant interfamilial and intrafamilial variability have been reported for the same pathogenic variants (PMID: 20301667). (I) 0200 - Variant is predicted to result in a missense amino acid change from serine to proline. (I) 0251 - This variant is heterozygous. (I) 0304 - Variant is present in gnomAD <0.01 (2 heterozygotes, 0 homozygotes). (SP) 0502 - Missense variant with conflicting in silico predictions and uninformative conservation. (I) 0600 - Variant is located in the annotated collagen triple helix region and affects the X of a Gly-X-Y repeat (DECIPHER). (I) 0705 - No comparable missense variants have previous evidence for pathogenicity. (I) 0809 - Previous evidence of pathogenicity for this variant is inconclusive. This variant has been reported as a VUS twice by clinical laboratories in ClinVar. (I) 0904 - Non-segregation of this variant with the phenotype under investigation has been clearly demonstrated. (SB) 1007 - No published functional evidence has been identified for this variant. (I) Legend: (SP) - Supporting pathogenic, (I) - Information, (SB) - Supporting benign

Genome Diagnostics Laboratory, The Hospital for Sick Children
Classification: Uncertain significance for Ehlers-Danlos syndrome. Last evaluated: 2021-01-04. Review status: criteria provided, single submitter. Criteria: ACMG Guidelines, 2015. Collection method: clinical testing. Allele origin: germline.

GeneDx
Classification: Uncertain significance. Last evaluated: 2019-04-29. Review status: criteria provided, single submitter. Criteria: GeneDx Variant Classification Process June 2021. Collection method: clinical testing. Allele origin: germline. Affected: yes.
Comment: Has not been previously published as pathogenic or benign to our knowledge; Not observed at a significant frequency in large population cohorts (Lek et al., 2016); In silico analysis, which includes protein predictors and evolutionary conservation, supports that this variant does not alter protein structure/function; Occurs in the triple helical domain at the X position in the canonical Gly-X-Y repeat. Although this variant may have an effect on normal protein folding and function, missense substitution at the X position is not a common mechanism of disease (Stenson et al., 2014)

Literature cited by the submitters: PubMed 20301667 (cited by Victorian Clinical Genetics Services, Murdoch Childrens Research Institute); PubMed 29346445 (cited by Victorian Clinical Genetics Services, Murdoch Childrens Research Institute).

NM_000090.4(COL3A1):c.586T>C (p.Ser196Pro)

Gene: COL3A1 (collagen type III alpha 1 chain; plus strand). Cytogenetic location: 2q32.2.
Variant type: single nucleotide variant.
Coding change: c.586T>C on transcript NM_000090.4 (MANE Select); coding-DNA position 586, T replaced by C.
Protein change: p.Ser196Pro; replaces serine 196 with proline.
Molecular consequence: missense variant.
Genome position (GRCh38, 1-based): chr2:188,988,593, T>C. VCF-style: chr2-188988593-T-C. GRCh37 (hg19) VCF-style: chr2-189853319-T-C.
Other names: p.S196P:TCT>CCT; short protein forms S196P.
Identifiers: ClinVar variation 199712 (VCV000199712.15), dbSNP rs751350498, ClinGen allele CA007097.